The following is an entry in ClinVar:

NM_001387274.1(DCDC1):c.2193T>C (p.Ala731=)

Gene: DCDC1 (doublecortin domain containing 1; minus strand). Cytogenetic location: 11p13.
Variant type: single nucleotide variant.
Coding change: c.2193T>C on transcript NM_001387274.1 (MANE Select); coding-DNA position 2193, T replaced by C.
Protein change: p.Ala731=; no amino-acid change (alanine 731 retained).
Molecular consequence: synonymous variant. On other transcripts: non-coding transcript variant (1).
Genome position (GRCh38, 1-based): chr11:31,091,437, A>G on the plus strand (T>C on the coding strand, the complement: DCDC1 is on the minus strand). VCF-style: chr11-31091437-A-G. GRCh37 (hg19) VCF-style: chr11-31112984-A-G.
Other names: NM_001350255.1:c.1050T>C; c.2193T>C, p.Ala731= (NM_001367979.1).
Identifiers: ClinVar variation 3041707 (VCV003041707.2), dbSNP rs150056724, ClinGen allele CA5932163.

ClinVar aggregate classification (germline): Likely benign (0 of 4 stars; one submission).

Conditions:
DCDC1-related disorder. Also called: DCDC1-related condition.

Allele frequency attached by ClinVar (database versions not stated): 1000 Genomes Project 0.00080; 1000 Genomes Project 30x 0.00109; TOPMed 0.00414; gnomAD 0.00425; ESP Exome Variant Server 0.00502; ExAC 0.00515.
gnomAD v4.1: 3,581 of 761,620 alleles (0.47%); highest among the groups gnomAD compares: Non-Finnish European, 0.77%; 14 homozygotes.

Submission:

PreventionGenetics, part of Exact Sciences
Classification: Likely benign for DCDC1-related condition. Last evaluated: 2019-07-15. Review status: no assertion criteria provided. Collection method: clinical testing. Allele origin: germline.
Comment: This variant is classified as likely benign based on ACMG/AMP sequence variant interpretation guidelines (Richards et al. 2015 PMID: 25741868, with internal and published modifications).